The following is an entry in ClinVar:

NM_000781.3(CYP11A1):c.623_625+6del

Gene: CYP11A1 (cytochrome P450 family 11 subfamily A member 1; minus strand). Cytogenetic location: 15q24.1.
Variant type: Deletion.
Coding change: c.623_625+6del on transcript NM_000781.3 (MANE Select); coding-DNA position 623 through 6 bases into the intron after coding-DNA position 625, 9 bases deleted (AGTGTAAGG; older notation c.623_625+6delAGTGTAAGG).
Molecular consequence: splice donor variant.
Genome position (GRCh38, 1-based): chr15:74,345,038-74,345,046, CCTTACACT deleted on the plus strand (AGTGTAAGG on the coding strand, the reverse complement: CYP11A1 is on the minus strand); deleting any 9 consecutive bases within chr15:74,345,038-74,345,047 gives the same sequence; the c. name uses the placement nearest the transcript's 3' end. VCF-style (leftmost placement, unchanged base first): chr15-74345037-CCCTTACACT-C. GRCh37 (hg19) VCF-style: chr15-74637378-CCCTTACACT-C.
Other names: c.149_151+6del (NM_001099773.2).
Identifiers: ClinVar variation 3670791 (VCV003670791.1).

ClinVar aggregate classification (germline): Likely pathogenic (1 of 4 stars; one submission).

Submission:

Labcorp Genetics (formerly Invitae), Labcorp
Classification: Likely pathogenic. Last evaluated: 2023-07-25. Review status: criteria provided, single submitter. Criteria: Invitae Variant Classification Sherloc (09022015). Collection method: clinical testing. Allele origin: germline.
Comment: In summary, the currently available evidence indicates that the variant is pathogenic, but additional data are needed to prove that conclusively. Therefore, this variant has been classified as Likely Pathogenic. Algorithms developed to predict the effect of sequence changes on RNA splicing suggest that this variant may disrupt the consensus splice site. This variant has not been reported in the literature in individuals affected with CYP11A1-related conditions. This variant is not present in population databases (gnomAD no frequency). This variant results in the deletion of part of exon 3 (c.623_625+6del) of the CYP11A1 gene. It is expected to disrupt RNA splicing. Variants that disrupt the donor or acceptor splice site typically lead to a loss of protein function (PMID: 16199547), and loss-of-function variants in CYP11A1 are known to be pathogenic (PMID: 15507506, 22435390, 27855232, 229968487).

Literature cited by the submitters: PubMed 16199547; PubMed 15507506; PubMed 22435390; PubMed 27855232; PubMed 229968487.